The following is an entry in ClinVar:

NM_007294.4(BRCA1):c.2028_2029del (p.Gly677fs)

Gene: BRCA1 (BRCA1 DNA repair associated; minus strand). Cytogenetic location: 17q21.31.
Variant type: Deletion.
Coding change: c.2028_2029del on transcript NM_007294.4 (MANE Select); coding-DNA positions 2028 to 2029, 2 bases deleted (TG; older notation c.2028_2029delTG).
Protein change: p.Gly677fs; shifts the reading frame from glycine 677.
Molecular consequence: frameshift variant. On other transcripts: intron variant (137).
Genome position (GRCh38, 1-based): chr17:43,093,502-43,093,503, CA deleted on the plus strand (TG on the coding strand, the reverse complement: BRCA1 is on the minus strand). VCF-style (leftmost placement, unchanged base first): chr17-43093501-CCA-C. GRCh37 (hg19) VCF-style: chr17-41245518-CCA-C.
Other names: c.661+1241_661+1242del (NM_001408433.1, NM_001408446.1, NM_001408435.1 and 6 more transcripts); c.784+1241_784+1242del (NM_001408400.1, NM_001408392.1, NM_001407986.1 and 13 more transcripts); c.664+1241_664+1242del (NM_001408441.1, NM_001408437.1, NM_001408429.1 and 12 more transcripts); c.787+1241_787+1242del (NM_001407979.1, NM_001407977.1, NM_001407982.1 and 19 more transcripts); c.646+1241_646+1242del (NM_001408410.1, NM_001408458.1, NM_001408469.1 and 11 more transcripts); c.709+1241_709+1242del (NM_001408415.1, NM_001408412.1, NM_001408409.1 and 2 more transcripts); c.577+1241_577+1242del (NM_001408483.1, NM_001408481.1, NM_001408480.1 and 9 more transcripts); c.1815_1816del, p.Gly606fs (NM_001407571.1, NM_001407853.1, NM_001407894.1 and 9 more transcripts); and 40 more; short protein forms G630fs, G677fs, G566fs, G589fs, G635fs, G674fs, G509fs, G607fs.
Identifiers: ClinVar variation 54441 (VCV000054441.4), dbSNP rs397508931, ClinGen allele CA001349.

ClinVar aggregate classification (germline): Pathogenic. Review status: reviewed by expert panel (3 of 4 stars). 3 submissions from 3 submitters: Pathogenic (1). 2 of the submissions do not count toward it. Last evaluated 2017-12-15.

Conditions:
Hereditary breast ovarian cancer syndrome. Also called: Hereditary breast and ovarian cancer syndrome (HBOC); Hereditary breast and ovarian cancer syndrome; Hereditary breast and ovarian cancer; Hereditary breast and/or ovarian cancer syndrome; Breast and ovarian cancer; BRCA1- and BRCA2-Associated Hereditary Breast and Ovarian Cancer. Identifiers: Orphanet 145, MedGen C0677776, MeSH D061325, MONDO:0003582. Disease mechanism: loss of function.
Breast-ovarian cancer, familial, susceptibility to, 1 (BROVCA1). Also called: OVARIAN CANCER, SUSCEPTIBILITY TO; BRCA1 Hereditary Breast and Ovarian Cancer. Identifiers: Orphanet 145, MedGen C2676676, MONDO:0011450, OMIM 604370. Disease mechanism: loss of function.
Familial cancer of breast. Also called: Hereditary breast cancer; hereditary breast carcinoma; BREAST CANCER, FAMILIAL. Identifiers: Orphanet 227535, MedGen C0346153, MONDO:0016419, OMIM 114480. Disease mechanism: loss of function.

Submissions (3):

Evidence-based Network for the Interpretation of Germline Mutant Alleles (ENIGMA)
Classification: Pathogenic for Breast-ovarian cancer, familial, susceptibility to, 1. Last evaluated: 2017-12-15. Review status: reviewed by expert panel. Criteria: ENIGMA BRCA1/2 Classification Criteria (2017-06-29). Collection method: curation. Allele origin: germline. Study: ENIGMA.
Comment: Variant allele predicted to encode a truncated non-functional protein.

Women's Health and Genetics/Laboratory Corporation of America, LabCorp
Classification: Likely pathogenic for Hereditary breast ovarian cancer syndrome. Last evaluated: 2021-06-07. Review status: criteria provided, single submitter. Criteria: LabCorp Variant Classification Summary - May 2015. Collection method: clinical testing. Allele origin: germline. Not counted in ClinVar's aggregate classification.
Comment: Variant summary: BRCA1 c.2028_2029delTG (p.Gly677SerfsX5) results in a premature termination codon, predicted to cause a truncation of the encoded protein or absence of the protein due to nonsense mediated decay, which are commonly known mechanisms for disease. Truncations downstream of this position have been classified as pathogenic by our laboratory. The variant was absent in 251290 control chromosomes. c.2028_2029delTG has been reported in the literature in individuals affected with Hereditary Ovarian Cancer (example Sugino_2019 and no ascertainable primary evidence in Yoshihara_2011, Yoshihara_2020). To our knowledge, no experimental evidence demonstrating an impact on protein function has been reported. One expert panel (ENIGMA) has submitted clinical-significance assessments for this variant to ClinVar after 2014 without evidence for independent evaluation and classified the variant as pathogenic. Based on the evidence outlined above, the variant was classified as likely pathogenic.

ClinVar Staff, National Center for Biotechnology Information (NCBI)
No classification provided. Condition: Familial cancer of breast. Review status: no classification provided. Collection method: literature only. Allele origin: germline. Affected: yes. Not counted in ClinVar's aggregate classification.

Literature cited by the submitters: PubMed 21213370 (cited by Women's Health and Genetics/Laboratory Corporation of America, LabCorp and ClinVar Staff, National Center for Biotechnology Information (NCBI)); PubMed 31780705 (cited by Women's Health and Genetics/Laboratory Corporation of America, LabCorp); PubMed 32495382 (cited by Women's Health and Genetics/Laboratory Corporation of America, LabCorp).